The following is an entry in ClinVar:

ClinVar aggregate classification (germline): Uncertain significance (1 of 4 stars; one submission).

Conditions:
Perlman syndrome (PRLMNS). Identifiers: Orphanet 2849, MedGen C0796113, MONDO:0009965, OMIM 267000.

gnomAD v4.1: 1 of 1,614,232 alleles (0.000062%); no homozygotes.

Submission:

Labcorp Genetics (formerly Invitae), Labcorp
Classification: Uncertain significance for Perlman syndrome. Last evaluated: 2021-05-17. Review status: criteria provided, single submitter. Criteria: Invitae Variant Classification Sherloc (09022015). Collection method: clinical testing. Allele origin: germline.
Comment: In summary, the available evidence is currently insufficient to determine the role of this variant in disease. Therefore, it has been classified as a Variant of Uncertain Significance. Algorithms developed to predict the effect of missense changes on protein structure and function are either unavailable or do not agree on the potential impact of this missense change (SIFT: "Deleterious"; PolyPhen-2: "Probably Damaging"; Align-GVGD: "Class C0"). This variant has not been reported in the literature in individuals with DIS3L2-related conditions. This variant is not present in population databases (ExAC no frequency). This sequence change replaces histidine with arginine at codon 496 of the DIS3L2 protein (p.His496Arg). The histidine residue is highly conserved and there is a small physicochemical difference between histidine and arginine.

NM_152383.5(DIS3L2):c.1487A>G (p.His496Arg)

Gene: DIS3L2 (DIS3 like 3'-5' exoribonuclease 2; plus strand). Cytogenetic location: 2q37.1.
Variant type: single nucleotide variant.
Coding change: c.1487A>G on transcript NM_152383.5 (MANE Select); coding-DNA position 1487, A replaced by G.
Protein change: p.His496Arg; replaces histidine 496 with arginine.
Molecular consequence: missense variant. On other transcripts: non-coding transcript variant (2).
Genome position (GRCh38, 1-based): chr2:232,263,268, A>G. VCF-style: chr2-232263268-A-G. GRCh37 (hg19) VCF-style: chr2-233127978-A-G.
Other names: c.1487A>G, p.His496Arg (NM_001257281.2); short protein forms H496R.
Identifiers: ClinVar variation 1480426 (VCV001480426.8), dbSNP rs2106281022, ClinGen allele CA350975325.
Genomic context (GRCh38, chr2:232,263,268, plus strand): 5'-TCCTTGATGAATGGTTTGGCCGGACCATCATCCGCTCCTGCACCAAACTTAGCTACGAGC[A>G]TGCACAGAGCATGATTGAAAGCCCAACTGAGAAAATCCCTGCGAAAGAGCTGCCCCCCAT-3'
Protein context (NP_689596.4, residues 486-506): IRSCTKLSYE[His496Arg]AQSMIESPTE